The following is an entry in ClinVar:

NM_213649.2(SFXN4):c.576T>C (p.Thr192=)

Gene: SFXN4 (sideroflexin 4; minus strand). Cytogenetic location: 10q26.11.
Variant type: single nucleotide variant.
Coding change: c.576T>C on transcript NM_213649.2 (MANE Select); coding-DNA position 576, T replaced by C.
Protein change: p.Thr192=; no amino-acid change (threonine 192 retained).
Molecular consequence: synonymous variant. On other transcripts: non-coding transcript variant (1).
Genome position (GRCh38, 1-based): chr10:119,156,718, A>G on the plus strand (T>C on the coding strand, the complement: SFXN4 is on the minus strand). VCF-style: chr10-119156718-A-G. GRCh37 (hg19) VCF-style: chr10-120916230-A-G.
Identifiers: ClinVar variation 390414 (VCV000390414.1), dbSNP rs375820613, ClinGen allele CA5714475.

ClinVar aggregate classification (germline): Likely benign (1 of 4 stars; one submission).

Allele frequency attached by ClinVar (database versions not stated): gnomAD exomes 0.00001; ExAC 0.00001; gnomAD 0.00001; TOPMed 0.00001; ESP Exome Variant Server 0.00008.
gnomAD v4.1: 17 of 1,611,732 alleles (0.0011%); highest among the groups gnomAD compares: Non-Finnish European, 0.0014%; no homozygotes.

Submission:

GeneDx
Classification: Likely benign. Last evaluated: 2016-11-04. Review status: criteria provided, single submitter. Criteria: GeneDx Variant Classification (06012015). Collection method: clinical testing. Allele origin: germline. Affected: yes.
Comment: This variant is considered likely benign or benign based on one or more of the following criteria: it is a conservative change, it occurs at a poorly conserved position in the protein, it is predicted to be benign by multiple in silico algorithms, and/or has population frequency not consistent with disease.